The following is an entry in ClinVar:

ClinVar aggregate classification (germline): Benign/Likely benign. Review status: criteria provided, multiple submitters, no conflicts (2 of 4 stars). 9 submissions from 9 submitters: Benign (3); Likely benign (5). 1 of the submissions does not count toward it. Last evaluated 2026-01-25.

Conditions:
Tuberous sclerosis 2 (TSC2). Identifiers: Orphanet 805, MedGen C1860707, MONDO:0013199, OMIM 613254.
Hereditary cancer-predisposing syndrome. Also called: Neoplastic Syndromes, Hereditary; Tumor predisposition; Hereditary Cancer Syndrome; Hereditary neoplastic syndrome. Identifiers: Orphanet 140162, MedGen C0027672, MeSH D009386, MONDO:0015356.
Tuberous sclerosis syndrome (TSC). Also called: Tuberous Sclerosis Complex; Tuberous sclerosis. Identifiers: Orphanet 805, MedGen C0041341, MONDO:0001734.
Lymphangiomyomatosis (LAM). Also called: Lymphangioleiomyomatosis; Lymphangioleiomyomatosis, somatic. Identifiers: Orphanet 538, MedGen C0751674, MONDO:0011705, OMIM 606690.
Isolated focal cortical dysplasia type II (FCORD2). Also called: CORTICAL DYSPLASIA OF TAYLOR; Focal cortical dysplasia type II. Identifiers: Orphanet 268994, MedGen C1846385, MONDO:0011818, OMIM 607341, HP:0032051.

Allele frequency attached by ClinVar (database versions not stated): gnomAD exomes 0.00001; gnomAD 0.00003; TOPMed 0.00004.
gnomAD v4.1: 43 of 1,612,908 alleles (0.0027%); highest among the groups gnomAD compares: Non-Finnish European, 0.0035%; no homozygotes.

Submissions (9):

Labcorp Genetics (formerly Invitae), Labcorp
Classification: Benign for Tuberous sclerosis 2. Last evaluated: 2026-01-25. Review status: criteria provided, single submitter. Criteria: Invitae Variant Classification Sherloc (09022015). Collection method: clinical testing. Allele origin: germline.

Myriad Genetics, Inc.
Classification: Benign for Tuberous sclerosis 2. Last evaluated: 2025-05-27. Review status: criteria provided, single submitter. Criteria: Myriad Autosomal Dominant, Autosomal Recessive and X-Linked Classification Criteria (2023). Collection method: clinical testing. Allele origin: unknown.
Comment: This variant is considered benign. This variant is a silent/synonymous amino acid change and it is not expected to impact splicing.

All of Us Research Program, National Institutes of Health
Classification: Likely benign for Tuberous sclerosis syndrome. Last evaluated: 2023-12-18. Review status: criteria provided, single submitter. Criteria: ACMG Guidelines, 2015. Collection method: clinical testing. Allele origin: germline. Inheritance: Autosomal dominant inheritance. Observed: 6 variant alleles, 6 heterozygotes.
Comment: This study involves interpretation of variants in research participants for the purpose of population health screening. Participant phenotype was not available at the time of variant classification. Additional details can be found in publication PMID: 35346344, PMCID: PMC8962531

Color Diagnostics, LLC DBA Color Health
Classification: Likely benign for Tuberous sclerosis syndrome. Last evaluated: 2022-09-28. Review status: criteria provided, single submitter. Criteria: ACMG Guidelines, 2015. Collection method: clinical testing. Allele origin: germline.

Fulgent Genetics
Classification: Likely benign for Lymphangiomyomatosis; Isolated focal cortical dysplasia type II; Tuberous sclerosis 2. Last evaluated: 2022-01-13. Review status: criteria provided, single submitter. Criteria: ACMG Guidelines, 2015. Collection method: clinical testing. Allele origin: unknown.

Genome-Nilou Lab
Classification: Benign for Tuberous sclerosis 2. Last evaluated: 2021-11-07. Review status: criteria provided, single submitter. Criteria: ACMG Guidelines, 2015. Collection method: clinical testing. Allele origin: germline. Affected: no.

GeneDx
Classification: Likely benign. Last evaluated: 2020-02-18. Review status: criteria provided, single submitter. Criteria: GeneDx Variant Classification Process June 2021. Collection method: clinical testing. Allele origin: germline. Affected: yes.
Comment: This variant is associated with the following publications: (PMID: 17304050, 10732801)

Ambry Genetics
Classification: Likely benign for Hereditary cancer-predisposing syndrome. Last evaluated: 2015-12-29. Review status: criteria provided, single submitter. Criteria: Ambry Variant Classification Scheme 2023. Collection method: clinical testing. Allele origin: germline.

Tuberous sclerosis database (TSC2)
No classification provided. Condition: TSC. Review status: no classification provided. Criteria: Tuberous Sclerosis Database Assertion Criteria 2015. Collection method: curation. Allele origin: germline. Affected: yes. Not counted in ClinVar's aggregate classification.

NM_000548.5(TSC2):c.3018C>T (p.Asn1006=)

Gene: TSC2 (TSC complex subunit 2; plus strand). Cytogenetic location: 16p13.3.
Variant type: single nucleotide variant.
Coding change: c.3018C>T on transcript NM_000548.5 (MANE Select); coding-DNA position 3018, C replaced by T.
Protein change: p.Asn1006=; no amino-acid change (asparagine 1006 retained).
Molecular consequence: synonymous variant.
Genome position (GRCh38, 1-based): chr16:2,079,083, C>T. VCF-style: chr16-2079083-C-T. GRCh37 (hg19) VCF-style: chr16-2129084-C-T.
Other names: c.2886C>T, p.Asn962= (NM_001077183.3, NM_001370404.1); c.3018C>T, p.Asn1006= (NM_001114382.3); c.2778C>T, p.Asn926= (NM_001318827.2); c.2742C>T, p.Asn914= (NM_001318829.2); c.2286C>T, p.Asn762= (NM_001318831.2); c.2919C>T, p.Asn973= (NM_001318832.2); c.2889C>T, p.Asn963= (NM_001363528.2, NM_001370405.1, NM_021055.3).
Identifiers: ClinVar variation 49543 (VCV000049543.22), dbSNP rs45471697, ClinGen allele CA018411.